The following is an entry in ClinVar:

NM_020975.6(RET):c.2519A>T (p.His840Leu)

Gene: RET (ret proto-oncogene; plus strand). Cytogenetic location: 10q11.21.
Variant type: single nucleotide variant.
Coding change: c.2519A>T on transcript NM_020975.6 (MANE Select); coding-DNA position 2519, A replaced by T.
Protein change: p.His840Leu; replaces histidine 840 with leucine.
Molecular consequence: missense variant.
Genome position (GRCh38, 1-based): chr10:43,119,657, A>T. VCF-style: chr10-43119657-A-T. GRCh37 (hg19) VCF-style: chr10-43615105-A-T.
Other names: c.1994A>T, p.His665Leu (NM_001406774.1); c.1793A>T, p.His598Leu (NM_001406775.1, NM_001406776.1, NM_001406777.1 and 1 more transcripts); c.1622A>T, p.His541Leu (NM_001406779.1, NM_001406780.1, NM_001406781.1 and 1 more transcripts); c.1493A>T, p.His498Leu (NM_001406783.1, NM_001406786.1); c.2519A>T, p.His840Leu (NM_000323.2, NM_001406743.1, NM_001406744.1 and 4 more transcripts); c.1757A>T, p.His586Leu (NM_001355216.2); c.2390A>T, p.His797Leu (NM_001406761.1, NM_001406762.1, NM_001406764.1); c.2384A>T, p.His795Leu (NM_001406763.1, NM_001406765.1); and 10 more; short protein forms H501L, H510L, H708L, H744L, H795L, H498L, H541L, H586L.
Identifiers: ClinVar variation 2107354 (VCV002107354.5), dbSNP rs1588877283, ClinGen allele CA376556436.

ClinVar aggregate classification (germline): Uncertain significance. Review status: criteria provided, multiple submitters, no conflicts (2 of 4 stars). 2 submissions from 2 submitters: Uncertain significance (2). Last evaluated 2026-03-17.

Conditions:
Multiple endocrine neoplasia, type 2 (MEN2). Identifiers: Orphanet 653, MedGen C4048306, MONDO:0019003. Disease mechanism: gain of function.

Submissions (2):

GeneDx
Classification: Uncertain significance. Last evaluated: 2026-03-17. Review status: criteria provided, single submitter. Criteria: GeneDx Variant Classification Process June 2021. Collection method: clinical testing. Allele origin: germline.
Comment: Not observed at significant frequency in large population cohorts (gnomAD); In silico analysis supports that this missense variant has a deleterious effect on protein structure/function; Has not been previously published as pathogenic or benign to our knowledge; This variant is associated with the following publications: (PMID: 14633923)

Labcorp Genetics (formerly Invitae), Labcorp
Classification: Uncertain significance for Multiple endocrine neoplasia, type 2. Last evaluated: 2022-08-07. Review status: criteria provided, single submitter. Criteria: Invitae Variant Classification Sherloc (09022015). Collection method: clinical testing. Allele origin: germline.
Comment: This sequence change replaces histidine, which is basic and polar, with leucine, which is neutral and non-polar, at codon 840 of the RET protein (p.His840Leu). This variant is not present in population databases (gnomAD no frequency). This variant has not been reported in the literature in individuals affected with RET-related conditions. Algorithms developed to predict the effect of missense changes on protein structure and function are either unavailable or do not agree on the potential impact of this missense change (SIFT: "Deleterious"; PolyPhen-2: "Benign"; Align-GVGD: "Class C0"). In summary, the available evidence is currently insufficient to determine the role of this variant in disease. Therefore, it has been classified as a Variant of Uncertain Significance.